The following is an entry in ClinVar:

ClinVar aggregate classification (germline): Uncertain significance (1 of 4 stars; one submission).

Submission:

Ambry Genetics
Classification: Uncertain significance. Last evaluated: 2025-02-21. Review status: criteria provided, single submitter. Criteria: Ambry Variant Classification Scheme 2023. Collection method: clinical testing. Allele origin: germline.
Comment: The p.Q1424K variant (also known as c.4270C>A), located in coding exon 19 of the WNK2 gene, results from a C to A substitution at nucleotide position 4270. The glutamine at codon 1424 is replaced by lysine, an amino acid with similar properties. This amino acid position is conserved. In addition, this alteration is predicted to be tolerated by in silico analysis. Based on the available evidence, the clinical significance of this variant remains unclear.

NM_006648.4(WNK2):c.4270C>A (p.Gln1424Lys)

Gene: WNK2 (WNK lysine deficient protein kinase 2; plus strand). Cytogenetic location: 9q22.31.
Variant type: single nucleotide variant.
Coding change: c.4270C>A on transcript NM_006648.4 (MANE Select); coding-DNA position 4270, C replaced by A.
Protein change: p.Gln1424Lys; replaces glutamine 1424 with lysine.
Molecular consequence: missense variant.
Genome position (GRCh38, 1-based): chr9:93,289,024, C>A. VCF-style: chr9-93289024-C-A. GRCh37 (hg19) VCF-style: chr9-96051306-C-A.
Other names: c.4381C>A, p.Gln1461Lys (NM_001282394.3); short protein forms Q1461K, Q1424K.
Identifiers: ClinVar variation 3817122 (VCV003817122.1).
Genomic context (GRCh38, chr9:93,289,024, plus strand): 5'-AGCACCATGCCAGAGCCAGCGTCAGGAACTGCCAGCCAGGCAGGGGGTCCAGGGACACCT[C>A]AGGGGCTGACCAGTGAGCTCGAGACGTCTCAGCCACTAGCGGAGACTCACGAGGCCCCGC-3'
Protein context (NP_006639.3, residues 1414-1434): ASQAGGPGTP[Gln1424Lys]GLTSELETSQ